The following is an entry in ClinVar:

ClinVar aggregate classification (germline): Uncertain significance (1 of 4 stars; one submission).

Allele frequency attached by ClinVar (database versions not stated): ExAC 0.00001; gnomAD 0.00001; gnomAD exomes 0.00001; TOPMed 0.00001.
gnomAD v4.1: 8 of 1,594,364 alleles (0.0005%); highest among the groups gnomAD compares: Admixed American, 0.0017%; no homozygotes.

Submission:

Labcorp Genetics (formerly Invitae), Labcorp
Classification: Uncertain significance. Last evaluated: 2023-10-29. Review status: criteria provided, single submitter. Criteria: Invitae Variant Classification Sherloc (09022015). Collection method: clinical testing. Allele origin: germline.
Comment: This sequence change replaces phenylalanine, which is neutral and non-polar, with leucine, which is neutral and non-polar, at codon 590 of the DDX58 protein (p.Phe590Leu). This variant is present in population databases (rs773436516, gnomAD 0.003%). This variant has not been reported in the literature in individuals affected with DDX58-related conditions. ClinVar contains an entry for this variant (Variation ID: 1421252). Advanced modeling of protein sequence and biophysical properties (such as structural, functional, and spatial information, amino acid conservation, physicochemical variation, residue mobility, and thermodynamic stability) has been performed at Invitae for this missense variant, however the output from this modeling did not meet the statistical confidence thresholds required to predict the impact of this variant on DDX58 protein function. In summary, the available evidence is currently insufficient to determine the role of this variant in disease. Therefore, it has been classified as a Variant of Uncertain Significance.

NM_014314.4(RIGI):c.1768T>C (p.Phe590Leu)

Gene: RIGI (RNA sensor RIG-I; minus strand). Cytogenetic location: 9p21.1.
Variant type: single nucleotide variant.
Coding change: c.1768T>C on transcript NM_014314.4 (MANE Select); coding-DNA position 1768, T replaced by C.
Protein change: p.Phe590Leu; replaces phenylalanine 590 with leucine.
Molecular consequence: missense variant.
Genome position (GRCh38, 1-based): chr9:32,480,225, A>G on the plus strand (T>C on the coding strand, the complement: RIGI is on the minus strand). VCF-style: chr9-32480225-A-G. GRCh37 (hg19) VCF-style: chr9-32480223-A-G.
Other names: c.1762T>C, p.Phe588Leu (NM_001385907.1); c.1768T>C, p.Phe590Leu (NM_001385909.1); c.1327T>C, p.Phe443Leu (NM_001385910.1); c.1159T>C, p.Phe387Leu (NM_001385912.1); c.1753T>C, p.Phe585Leu (NM_001385913.1); c.1324T>C, p.Phe442Leu (NM_001385914.1); short protein forms F442L, F443L, F387L, F585L, F588L, F590L.
Identifiers: ClinVar variation 1421252 (VCV001421252.8), dbSNP rs773436516, ClinGen allele CA5019699.
Genomic context (GRCh38, chr9:32,480,225, plus strand): 5'-ATTCCAGTCACCAAGAATGCTACTGTGGCTTCCTCCTCTGAAAACACCACTCACCTTCAA[A>G]TCTCTGAGTAAGATCTTGCTCAATCTCATCGAATCCTGCTGCTCGGACATTGCTGAAGAA-3'
Protein context (NP_055129.2, residues 580-600): DEIEQDLTQR[Phe590Leu]EEKLQELESV